The following is an entry in ClinVar:

NM_001845.6(COL4A1):c.4938G>A (p.Thr1646=)

Gene: COL4A1 (collagen type IV alpha 1 chain; minus strand). Cytogenetic location: 13q34.
Variant type: single nucleotide variant.
Coding change: c.4938G>A on transcript NM_001845.6 (MANE Select); coding-DNA position 4938, G replaced by A.
Protein change: p.Thr1646=; no amino-acid change (threonine 1646 retained).
Molecular consequence: synonymous variant.
Genome position (GRCh38, 1-based): chr13:110,150,435, C>T on the plus strand (G>A on the coding strand, the complement: COL4A1 is on the minus strand). VCF-style: chr13-110150435-C-T. GRCh37 (hg19) VCF-style: chr13-110802782-C-T.
Other names: p.Thr1646=.
Identifiers: ClinVar variation 1954773 (VCV001954773.6), dbSNP rs751179885, ClinGen allele CA7046750.

ClinVar aggregate classification (germline): Likely benign. Review status: criteria provided, multiple submitters, no conflicts (2 of 4 stars). 2 submissions from 2 submitters: Likely benign (2). Last evaluated 2025-05-11.

Allele frequency attached by ClinVar (database versions not stated): TOPMed 0.00001; gnomAD 0.00001; ExAC 0.00002.
gnomAD v4.1: 6 of 1,613,846 alleles (0.00037%); highest among the groups gnomAD compares: African/African-American, 0.0027%; no homozygotes.

Submissions (2):

Labcorp Genetics (formerly Invitae), Labcorp
Classification: Likely benign. Last evaluated: 2025-05-11. Review status: criteria provided, single submitter. Criteria: Invitae Variant Classification Sherloc (09022015). Collection method: clinical testing. Allele origin: germline.

Mayo Clinic Laboratories, Mayo Clinic
Classification: Likely benign. Last evaluated: 2025-03-26. Review status: criteria provided, single submitter. Criteria: ACMG Guidelines, 2015. Collection method: clinical testing. Allele origin: germline. Observed: 1 variant allele.
Comment: BP4, BP7, PM2_supporting